The following is an entry in ClinVar:

ClinVar aggregate classification (germline): Conflicting classifications of pathogenicity. Review status: criteria provided, conflicting classifications (1 of 4 stars). 7 submissions from 7 submitters: Uncertain significance (6); Likely benign (1). Last evaluated 2026-06-10.

Conditions:
Inborn genetic diseases. Identifiers: MedGen C0950123, MeSH D030342.
Microcephaly 5, primary, autosomal recessive (MCPH5). Also called: ASPM Primary Microcephaly. Identifiers: Orphanet 2512, MedGen C1837501, MONDO:0012106, OMIM 608716.

Allele frequency attached by ClinVar (database versions not stated): gnomAD exomes 0.00013 and 0.00010; gnomAD 0.00019 and 0.00018; ESP Exome Variant Server 0.00023; ExAC 0.00009; TOPMed 0.00012.
gnomAD v4.1: 217 of 1,612,544 alleles (0.013%); highest among the groups gnomAD compares: Non-Finnish European, 0.018%; no homozygotes.

Submissions (8):

Ambry Genetics
Classification: Likely benign for Inborn genetic diseases. Last evaluated: 2026-06-10. Review status: criteria provided, single submitter. Criteria: Ambry Variant Classification Scheme 2023. Collection method: clinical testing. Allele origin: germline.

Athena Diagnostics
Classification: Uncertain significance. Last evaluated: 2025-03-03. Review status: criteria provided, single submitter. Criteria: Athena Diagnostics Criteria. Collection method: clinical testing. Allele origin: unknown.
Comment: Available data are insufficient to determine the clinical significance of the variant at this time. The frequency of this variant in the general population is uninformative in assessment of its pathogenicity. Polyphen and MutationTaster predict this amino acid change may be benign.

Genome-Nilou Lab
Classification: Uncertain significance for Microcephaly 5, primary, autosomal recessive. Last evaluated: 2023-04-11. Review status: criteria provided, single submitter. Criteria: ACMG Guidelines, 2015. Collection method: clinical testing. Allele origin: germline. Affected: no.

Labcorp Genetics (formerly Invitae), Labcorp
Classification: Uncertain significance. Last evaluated: 2022-06-13. Review status: criteria provided, single submitter. Criteria: Invitae Variant Classification Sherloc (09022015). Collection method: clinical testing. Allele origin: germline.
Comment: This sequence change replaces glycine, which is neutral and non-polar, with aspartic acid, which is acidic and polar, at codon 1104 of the ASPM protein (p.Gly1104Asp). This variant is present in population databases (rs146959075, gnomAD 0.02%). This variant has not been reported in the literature in individuals affected with ASPM-related conditions. ClinVar contains an entry for this variant (Variation ID: 876902). Algorithms developed to predict the effect of missense changes on protein structure and function output the following: SIFT: "Tolerated"; PolyPhen-2: "Benign"; Align-GVGD: "Class C0". The aspartic acid amino acid residue is found in multiple mammalian species, which suggests that this missense change does not adversely affect protein function. In summary, the available evidence is currently insufficient to determine the role of this variant in disease. Therefore, it has been classified as a Variant of Uncertain Significance.

Fulgent Genetics
Classification: Uncertain significance for Microcephaly 5, primary, autosomal recessive. Last evaluated: 2021-07-06. Review status: criteria provided, single submitter. Criteria: ACMG Guidelines, 2015. Collection method: clinical testing. Allele origin: unknown.

Illumina Laboratory Services, Illumina
Classification: Uncertain significance for Microcephaly 5, primary, autosomal recessive. Last evaluated: 2018-01-13. Review status: criteria provided, single submitter. Criteria: ICSL Variant Classification Criteria 13 December 2019. Collection method: clinical testing. Allele origin: germline.

Breakthrough Genomics
Classification: Uncertain significance. Review status: criteria provided, single submitter. Criteria: ACMG Guidelines, 2015. Collection method: not provided. Allele origin: germline. Inheritance: Autosomal recessive inheritance. Affected: yes.

Dr. Peter K. Rogan Lab, Western University
No classification provided (evidence only). Condition: Colorectal cancer. Review status: no classification provided. Collection method: in vitro. Allele origin: not applicable. Functional consequence: retained intron. Not counted in ClinVar's aggregate classification.

Literature cited by the submitters: PubMed 33057194 (cited by Athena Diagnostics); PubMed 35982159 (cited by Athena Diagnostics).

NM_018136.5(ASPM):c.3311G>A (p.Gly1104Asp)

Gene: ASPM (assembly factor for spindle microtubules; minus strand). Cytogenetic location: 1q31.3.
Variant type: single nucleotide variant.
Coding change: c.3311G>A on transcript NM_018136.5 (MANE Select); coding-DNA position 3311, G replaced by A.
Protein change: p.Gly1104Asp; replaces glycine 1104 with aspartic acid.
Molecular consequence: missense variant.
Genome position (GRCh38, 1-based): chr1:197,124,189, C>T on the plus strand (G>A on the coding strand, the complement: ASPM is on the minus strand). VCF-style: chr1-197124189-C-T. GRCh37 (hg19) VCF-style: chr1-197093319-C-T.
Other names: c.3311G>A, p.Gly1104Asp (NM_001206846.2); short protein forms G1104D.
Identifiers: ClinVar variation 876902 (VCV000876902.15), dbSNP rs146959075, ClinGen allele CA1310204.